The following is an entry in ClinVar:

ClinVar aggregate classification (germline): Conflicting classifications of pathogenicity. Review status: criteria provided, conflicting classifications (1 of 4 stars). 9 submissions from 9 submitters: Uncertain significance (4); Likely benign (5). Last evaluated 2026-09-14.

Conditions:
CACNB2-related disorder. Also called: CACNB2-related condition.
Cardiovascular phenotype. Identifiers: MedGen CN230736.
Cardiomyopathy (CMYO). Also called: Cardiomyopathies. Identifiers: Orphanet 167848, MedGen C0878544, MONDO:0004994, HP:0001638. Inheritance: Various modes of inheritance.
Brugada syndrome 4 (BRGDA4). Identifiers: Orphanet 130, MedGen C2678477, MONDO:0012743, OMIM 611876.

Allele frequency attached by ClinVar (database versions not stated): TOPMed 0.00024; ESP Exome Variant Server 0.00038.
gnomAD v4.1: 428 of 1,613,860 alleles (0.027%); highest among the groups gnomAD compares: Admixed American, 0.057%; no homozygotes.

Submissions (9):

GeneDx
Classification: Uncertain significance. Last evaluated: 2026-09-14. Review status: criteria provided, single submitter. Criteria: GeneDx Variant Classification Process June 2021. Collection method: clinical testing. Allele origin: germline.
Comment: Identified in patients with Brugada syndrome in published literature (PMID: 25650408, 34546463); In silico analysis suggests that this missense variant does not alter protein structure/function; Variants in candidate genes are classified as variants of uncertain significance in accordance with ACMG guidelines (PMID: 25741868); This variant is associated with the following publications: (PMID: 25650408, 34546463)

PreventionGenetics, part of Exact Sciences
Classification: Likely benign for CACNB2-related condition. Last evaluated: 2026-04-09. Review status: criteria provided, single submitter. Criteria: ACMG Guidelines, 2015. Collection method: clinical testing. Allele origin: germline.
Comment: This variant is classified as likely benign based on ACMG/AMP sequence variant interpretation guidelines (Richards et al. 2015 PMID: 25741868, with internal and published modifications).

Labcorp Genetics (formerly Invitae), Labcorp
Classification: Uncertain significance for Brugada syndrome 4. Last evaluated: 2026-01-12. Review status: criteria provided, single submitter. Criteria: Invitae Variant Classification Sherloc (09022015). Collection method: clinical testing. Allele origin: germline.
Comment: This sequence change replaces valine, which is neutral and non-polar, with isoleucine, which is neutral and non-polar, at codon 514 of the CACNB2 protein (p.Val514Ile). This variant is present in population databases (rs142639223, gnomAD 0.06%), and has an allele count higher than expected for a pathogenic variant. This missense change has been observed in individual(s) with Brugada syndrome (PMID: 25650408). ClinVar contains an entry for this variant (Variation ID: 190717). Invitae Evidence Modeling of protein sequence and biophysical properties (such as structural, functional, and spatial information, amino acid conservation, physicochemical variation, residue mobility, and thermodynamic stability) indicates that this missense variant is not expected to disrupt CACNB2 protein function with a negative predictive value of 80%. In summary, the available evidence is currently insufficient to determine the role of this variant in disease. Therefore, it has been classified as a Variant of Uncertain Significance.

Blueprint Genetics
Classification: Likely benign. Last evaluated: 2024-11-18. Review status: criteria provided, single submitter. Criteria: ACMG Guidelines, 2015. Collection method: clinical testing. Allele origin: germline.

Women's Health and Genetics/Laboratory Corporation of America, LabCorp
Classification: Likely benign. Last evaluated: 2023-03-27. Review status: criteria provided, single submitter. Criteria: LabCorp Variant Classification Summary - May 2015. Collection method: clinical testing. Allele origin: germline.
Comment: Variant summary: CACNB2 c.1540G>A (p.Val514Ile) results in a conservative amino acid change in the encoded protein sequence. Five of five in-silico tools predict a benign effect of the variant on protein function. The variant allele was found at a frequency of 0.00024 in 251242 control chromosomes (gnomAD). The observed variant frequency is approximately 78-fold of the estimated maximal expected allele frequency for a pathogenic variant in CACNB2 causing Brugada Syndrome phenotype (3.1e-06), strongly suggesting that the variant is benign. c.1540G>A has been reported in the literature in an individual affected with Brugada Syndrome, without strong evidence for causality (Le Scouarnec_2015). Therefore, this report does not provide unequivocal conclusions about association of the variant with Brugada Syndrome. To our knowledge, no experimental evidence demonstrating an impact on protein function has been reported. Six submitters have provided clinical-significance assessments for this variant to ClinVar after 2014 and classified the variant as either VUS (n=4) or likely benign (n=2). Based on the evidence outlined above, the variant was classified as likely benign.

Laboratorio de Genetica e Diagnostico Molecular, Hospital Israelita Albert Einstein
Classification: Uncertain significance for Brugada syndrome 4. Last evaluated: 2021-12-15. Review status: criteria provided, single submitter. Criteria: ACMG Guidelines, 2015. Collection method: clinical testing. Allele origin: germline. Affected: yes.
Comment: ACMG classification criteria: BP4 supporting

ARUP Laboratories, Molecular Genetics and Genomics, ARUP Laboratories
Classification: Uncertain significance for Brugada syndrome 4. Last evaluated: 2021-01-04. Review status: criteria provided, single submitter. Criteria: ARUP Molecular Germline Variant Investigation Process 2021. Collection method: clinical testing. Allele origin: germline.
Comment: The CACNB2 c.1540G>A; p.Val514Ile variant (rs142639223), to our knowledge, is not reported in the medical literature but is reported in ClinVar (Variation ID: 190717). This variant is found in the general population with an overall allele frequency of 0.02% (62/282604 alleles) in the Genome Aggregation Database. The valine at codon 514 is moderately conserved, but computational analyses are uncertain whether this variant is neutral or deleterious (REVEL: 0.16). Due to limited information, the clinical significance of the p.Val514Ile variant is uncertain at this time. Gene statement: Although variants in CACNB2 have been associated with Brugada syndrome 4 (MIM: 611876), the evidence supporting this association is limited (Hosseini 2018). Hosseini et al. Reappraisal of Reported Genes for Sudden Arrhythmic Death: Evidence-Based Evaluation of Gene Validity for Brugada Syndrome Circulation, 2018 Sep 18;138(12):1195-1205.

Ambry Genetics
Classification: Likely benign for Cardiovascular phenotype. Last evaluated: 2019-08-08. Review status: criteria provided, single submitter. Criteria: Ambry Variant Classification Scheme 2023. Collection method: clinical testing. Allele origin: germline.

Center for Advanced Laboratory Medicine, UC San Diego Health, University of California San Diego
Classification: Likely benign for Cardiomyopathy. Last evaluated: 2017-03-14. Review status: criteria provided, single submitter. Criteria: ACMG Guidelines, 2015. Collection method: clinical testing. Allele origin: germline. Affected: yes. Observed: 1 variant allele.

Literature cited by the submitters: PubMed 25650408 (cited by Labcorp Genetics (formerly Invitae), Labcorp and Women's Health and Genetics/Laboratory Corporation of America, LabCorp).

NM_201596.3(CACNB2):c.1702G>A (p.Val568Ile)

Gene: CACNB2 (calcium voltage-gated channel auxiliary subunit beta 2; plus strand). Cytogenetic location: 10p12.31.
Variant type: single nucleotide variant.
Coding change: c.1702G>A on transcript NM_201596.3 (MANE Select); coding-DNA position 1702, G replaced by A.
Protein change: p.Val568Ile; replaces valine 568 with isoleucine.
Molecular consequence: missense variant.
Genome position (GRCh38, 1-based): chr10:18,539,443, G>A. VCF-style: chr10-18539443-G-A. GRCh37 (hg19) VCF-style: chr10-18828372-G-A.
Other names: p.V513I:GTA>ATA; c.1537G>A, p.Val513Ile (NM_000724.4); c.1504G>A, p.Val502Ile (NM_001167945.2); c.1423G>A, p.Val475Ile (NM_001330060.2); c.1558G>A, p.Val520Ile (NM_201570.3); c.1618G>A, p.Val540Ile (NM_201571.4); c.1546G>A, p.Val516Ile (NM_201572.4); c.1540G>A, p.Val514Ile (NM_201590.3); and 2 more; short protein forms V513I, V514I, V568I, V475I, V544I, V502I, V530I, V520I.
Identifiers: ClinVar variation 190717 (VCV000190717.26), dbSNP rs142639223, ClinGen allele CA301823.